The following is an entry in ClinVar:

ClinVar aggregate classification (germline): Uncertain significance. Review status: criteria provided, multiple submitters, no conflicts (2 of 4 stars). 2 submissions from 2 submitters: Uncertain significance (2). Last evaluated 2025-07-13.

Conditions:
Inborn genetic diseases. Identifiers: MedGen C0950123, MeSH D030342.
Peroxisome biogenesis disorder 11A (Zellweger). Also called: Peroxisome biogenesis disorder 11A. Identifiers: Orphanet 912, MedGen C3554000, MONDO:0013949, OMIM 614883.

Allele frequency attached by ClinVar (database versions not stated): gnomAD exomes 0.00002; gnomAD 0.00001; TOPMed 0.00001.
gnomAD v4.1: 28 of 1,611,016 alleles (0.0017%); highest among the groups gnomAD compares: Non-Finnish European, 0.0024%; no homozygotes.

Submissions (2):

Ambry Genetics
Classification: Uncertain significance for Inborn genetic diseases. Last evaluated: 2025-07-13. Review status: criteria provided, single submitter. Criteria: Ambry Variant Classification Scheme 2023. Collection method: clinical testing. Allele origin: germline.

Labcorp Genetics (formerly Invitae), Labcorp
Classification: Uncertain significance for Peroxisome biogenesis disorder 11A (Zellweger). Last evaluated: 2022-08-01. Review status: criteria provided, single submitter. Criteria: Invitae Variant Classification Sherloc (09022015). Collection method: clinical testing. Allele origin: germline.
Comment: This sequence change replaces phenylalanine, which is neutral and non-polar, with serine, which is neutral and polar, at codon 283 of the PEX13 protein (p.Phe283Ser). This variant is present in population databases (rs777890321, gnomAD 0.0009%). This variant has not been reported in the literature in individuals affected with PEX13-related conditions. Algorithms developed to predict the effect of missense changes on protein structure and function (SIFT, PolyPhen-2, Align-GVGD) all suggest that this variant is likely to be disruptive. In summary, the available evidence is currently insufficient to determine the role of this variant in disease. Therefore, it has been classified as a Variant of Uncertain Significance.

NM_002618.4(PEX13):c.848T>C (p.Phe283Ser)

Gene: PEX13 (peroxisomal biogenesis factor 13; plus strand). Cytogenetic location: 2p15.
Variant type: single nucleotide variant.
Coding change: c.848T>C on transcript NM_002618.4 (MANE Select); coding-DNA position 848, T replaced by C.
Protein change: p.Phe283Ser; replaces phenylalanine 283 with serine.
Molecular consequence: missense variant.
Genome position (GRCh38, 1-based): chr2:61,045,786, T>C. VCF-style: chr2-61045786-T-C. GRCh37 (hg19) VCF-style: chr2-61272921-T-C.
Other names: c.848T>C (NM_002618.3); short protein forms F283S.
Identifiers: ClinVar variation 1714708 (VCV001714708.4), dbSNP rs777890321, ClinGen allele CA48353815.